The following is an entry in ClinVar:

ClinVar aggregate classification (germline): Uncertain significance (1 of 4 stars; one submission).

gnomAD v4.1: 2 of 1,610,284 alleles (0.00012%); highest among the groups gnomAD compares: African/African-American, 0.0027%; no homozygotes.

Submission:

Labcorp Genetics (formerly Invitae), Labcorp
Classification: Uncertain significance. Last evaluated: 2024-11-05. Review status: criteria provided, single submitter. Criteria: Invitae Variant Classification Sherloc (09022015). Collection method: clinical testing. Allele origin: germline.
Comment: This sequence change replaces arginine, which is basic and polar, with serine, which is neutral and polar, at codon 34 of the NDUFA2 protein (p.Arg34Ser). This variant is not present in population databases (gnomAD no frequency). This variant has not been reported in the literature in individuals affected with NDUFA2-related conditions. An algorithm developed to predict the effect of missense changes on protein structure and function (PolyPhen-2) suggests that this variant is likely to be disruptive. Algorithms developed to predict the effect of sequence changes on RNA splicing suggest that this variant may disrupt the consensus splice site. In summary, the available evidence is currently insufficient to determine the role of this variant in disease. Therefore, it has been classified as a Variant of Uncertain Significance.

NM_002488.5(NDUFA2):c.102G>C (p.Arg34Ser)

Genes: NDUFA2 (NADH:ubiquinone oxidoreductase subunit A2; minus strand), TMCO6 (transmembrane and coiled-coil domains 6; plus strand). Cytogenetic location: 5q31.3.
Variant type: single nucleotide variant.
Coding change: c.102G>C on transcript NM_002488.5 (MANE Select); coding-DNA position 102, G replaced by C.
Protein change: p.Arg34Ser; replaces arginine 34 with serine.
Molecular consequence: missense variant. On other transcripts: non-coding transcript variant (1).
Genome position (GRCh38, 1-based): chr5:140,647,362, C>G on the plus strand (G>C on the coding strand, the complement: NDUFA2 is on the minus strand). VCF-style: chr5-140647362-C-G. GRCh37 (hg19) VCF-style: chr5-140026947-C-G.
Other names: c.102G>C, p.Arg34Ser (NM_001185012.2); short protein forms R34S.
Identifiers: ClinVar variation 3690984 (VCV003690984.2).
Genomic context (GRCh38, chr5:140,647,362, plus strand): 5'-TAGGATGGGTAGGTCGGGATTCGCCTTCTTCAGCTCCACGTAGCGTTTCTCAATGAAGTC[C>G]CTGCGGGGCCGGAGAGAGCGCCGCGCGTGCTGTGGGCGGGGGCTTCCCTCAACTTCAGGG-3'
Protein context (NP_002479.1, residues 24-44): CQRSPGSQGV[Arg34Ser]DFIEKRYVEL